The following is an entry in ClinVar:

NM_000540.3(RYR1):c.13463C>T (p.Pro4488Leu)

Gene: RYR1 (ryanodine receptor 1; plus strand). Cytogenetic location: 19q13.2.
Variant type: single nucleotide variant.
Coding change: c.13463C>T on transcript NM_000540.3 (MANE Select); coding-DNA position 13463, C replaced by T.
Protein change: p.Pro4488Leu; replaces proline 4488 with leucine.
Molecular consequence: missense variant.
Genome position (GRCh38, 1-based): chr19:38,566,936, C>T. VCF-style: chr19-38566936-C-T. GRCh37 (hg19) VCF-style: chr19-39057576-C-T.
Other names: c.13448C>T, p.Pro4483Leu (NM_001042723.2); short protein forms P4488L, P4483L.
Identifiers: ClinVar variation 3718166 (VCV003718166.2).
Genomic context (GRCh38, chr19:38,566,936, plus strand): 5'-TGAGGACTCAGCCCTGATGCTTGCCCTGTCCCTAGGTGGATGGAGTGGAGGAGGAGCTCC[C>T]GCCAGAGCCAGAGCCCGAGCCGGAACCAGAGCTGGAGCCGGAGAAAGCCGAGTGAGTGGC-3'
Protein context (NP_000531.2, residues 4478-4498): LGVDGVEEEL[Pro4488Leu]PEPEPEPEPE

ClinVar aggregate classification (germline): Uncertain significance (1 of 4 stars; one submission).

Conditions:
RYR1-related disorder. Also called: RYR1-related condition; RYR1-related disorders. Identifiers: MedGen CN239331.

gnomAD v4.1: 33 of 1,606,176 alleles (0.0021%); highest among the groups gnomAD compares: African/African-American, 0.0053%; no homozygotes.

Submission:

Labcorp Genetics (formerly Invitae), Labcorp
Classification: Uncertain significance for RYR1-related disorder. Last evaluated: 2025-04-29. Review status: criteria provided, single submitter. Criteria: Invitae Variant Classification Sherloc (09022015). Collection method: clinical testing. Allele origin: germline.
Comment: This sequence change replaces proline, which is neutral and non-polar, with leucine, which is neutral and non-polar, at codon 4488 of the RYR1 protein (p.Pro4488Leu). The frequency data for this variant in the population databases is considered unreliable, as metrics indicate poor data quality at this position in the gnomAD database. This variant has not been reported in the literature in individuals affected with RYR1-related conditions. ClinVar contains an entry for this variant (Variation ID: 3718166). Invitae Evidence Modeling of protein sequence and biophysical properties (such as structural, functional, and spatial information, amino acid conservation, physicochemical variation, residue mobility, and thermodynamic stability) indicates that this missense variant is not expected to disrupt RYR1 protein function with a negative predictive value of 95%. In summary, the available evidence is currently insufficient to determine the role of this variant in disease. Therefore, it has been classified as a Variant of Uncertain Significance.